The following is an entry in ClinVar:

ClinVar aggregate classification (germline): Uncertain significance (1 of 4 stars; one submission).

Allele frequency attached by ClinVar (database versions not stated): TOPMed 0.00001; gnomAD 0.00002.
gnomAD v4.1: 5 of 1,601,360 alleles (0.00031%); highest among the groups gnomAD compares: Admixed American, 0.0067%; no homozygotes.

Submission:

Labcorp Genetics (formerly Invitae), Labcorp
Classification: Uncertain significance. Last evaluated: 2022-07-05. Review status: criteria provided, single submitter. Criteria: Invitae Variant Classification Sherloc (09022015). Collection method: clinical testing. Allele origin: germline.
Comment: This sequence change replaces isoleucine, which is neutral and non-polar, with valine, which is neutral and non-polar, at codon 91 of the HMCN1 protein (p.Ile91Val). This variant is not present in population databases (gnomAD no frequency). This variant has not been reported in the literature in individuals affected with HMCN1-related conditions. Algorithms developed to predict the effect of missense changes on protein structure and function are either unavailable or do not agree on the potential impact of this missense change (SIFT: "Deleterious"; PolyPhen-2: "Possibly Damaging"; Align-GVGD: "Class C0"). Algorithms developed to predict the effect of sequence changes on RNA splicing suggest that this variant may create or strengthen a splice site. In summary, the available evidence is currently insufficient to determine the role of this variant in disease. Therefore, it has been classified as a Variant of Uncertain Significance.

NM_031935.3(HMCN1):c.271A>G (p.Ile91Val)

Gene: HMCN1 (hemicentin 1; plus strand). Cytogenetic location: 1q31.1.
Variant type: single nucleotide variant.
Coding change: c.271A>G on transcript NM_031935.3 (MANE Select); coding-DNA position 271, A replaced by G.
Protein change: p.Ile91Val; replaces isoleucine 91 with valine.
Molecular consequence: missense variant.
Genome position (GRCh38, 1-based): chr1:185,846,028, A>G. VCF-style: chr1-185846028-A-G. GRCh37 (hg19) VCF-style: chr1-185815160-A-G.
Other names: short protein forms I91V.
Identifiers: ClinVar variation 1906201 (VCV001906201.5), dbSNP rs1661791963, ClinGen allele CA344058472.